The following is an entry in ClinVar:

NM_024642.5(GALNT12):c.897A>G (p.Gln299=)

Gene: GALNT12 (polypeptide N-acetylgalactosaminyltransferase 12; plus strand). Cytogenetic location: 9q22.33.
Variant type: single nucleotide variant.
Coding change: c.897A>G on transcript NM_024642.5 (MANE Select); coding-DNA position 897, A replaced by G.
Protein change: p.Gln299=; no amino-acid change (glutamine 299 retained).
Molecular consequence: synonymous variant.
Genome position (GRCh38, 1-based): chr9:98,831,937, A>G. VCF-style: chr9-98831937-A-G. GRCh37 (hg19) VCF-style: chr9-101594219-A-G.
Identifiers: ClinVar variation 416216 (VCV000416216.26), dbSNP rs16917929, ClinGen allele CA5154090.
Genomic context (GRCh38, chr9:98,831,937, plus strand): 5'-CGACTGGAGGCTGGTGTTCACGTGGCACACAGTTCCTGAGAGGGAGAGGATACGGATGCA[A>G]TCCCCCGTCGATGTCATCAGGTCAGGAGCTGACTTCTGGGTGACTTGTTTTTTAAGCATG-3'
Protein context (NP_078918.3, residues 289-309): TVPERERIRM[Gln299=]SPVDVIRSPT

ClinVar aggregate classification (germline): Benign. Review status: criteria provided, multiple submitters, no conflicts (2 of 4 stars). 9 submissions from 9 submitters: Benign (8). 1 of the submissions does not count toward it. Last evaluated 2026-04-24.

Conditions:
Hereditary cancer-predisposing syndrome. Also called: Hereditary Cancer Syndrome; Neoplastic Syndromes, Hereditary; Hereditary neoplastic syndrome; Tumor predisposition. Identifiers: Orphanet 140162, MedGen C0027672, MeSH D009386, MONDO:0015356.
GALNT12-related disorder. Also called: GALNT12-related condition.
Colorectal cancer, susceptibility to, 1. Also called: COLORECTAL ADENOMA AND CANCER, SUSCEPTIBILITY TO; COLORECTAL CANCER, SUSCEPTIBILITY TO, ON CHROMOSOME 9. Identifiers: MedGen C1837315, MONDO:0012132, OMIM 608812.

Allele frequency attached by ClinVar (database versions not stated): 1000 Genomes Project 0.04113; ExAC 0.01252; gnomAD 0.04000 and 0.03718; 1000 Genomes Project 30x 0.04497; ESP Exome Variant Server 0.04575; TOPMed 0.04130.

Submissions (9):

Myriad Genetics, Inc.
Classification: Benign for Colorectal cancer, susceptibility to, 1. Last evaluated: 2026-04-24. Review status: criteria provided, single submitter. Criteria: Myriad Autosomal Dominant, Autosomal Recessive and X-Linked Classification Criteria (2023). Collection method: clinical testing. Allele origin: unknown.
Comment: This variant is considered benign. This variant is a silent/synonymous amino acid change and it is not expected to impact splicing.

Labcorp Genetics (formerly Invitae), Labcorp
Classification: Benign. Last evaluated: 2026-02-03. Review status: criteria provided, single submitter. Criteria: Invitae Variant Classification Sherloc (09022015). Collection method: clinical testing. Allele origin: germline.

Quest Diagnostics Nichols Institute San Juan Capistrano
Classification: Benign. Last evaluated: 2025-05-31. Review status: criteria provided, single submitter. Criteria: Quest Diagnostics criteria. Collection method: clinical testing. Allele origin: unknown.

Institute for Biomarker Research, Medical Diagnostic Laboratories, L.L.C.
Classification: Benign for Hereditary cancer-predisposing syndrome. Last evaluated: 2025-01-27. Review status: criteria provided, single submitter. Criteria: ACMG Guidelines, 2015. Collection method: clinical testing. Allele origin: germline.
Comment: The synonymous variant NM_024642.5(GALNT12):c.897A>G (p.Gln299=) has been reported to ClinVar as Benign with a status of (2 stars) criteria provided, multiple submitters, no conflicts (Variation ID 416216 as of 2025-01-02). The p.Gln299= variant is observed in 206/5,008 (4.1134%) alleles from individuals of 1kG All background in 1kG, indicating it is a common benign variant. The p.Gln299= variant is not predicted to disrupt an existing splice site. The p.Gln299= variant results in a substitution of a base that is not predicted conserved by GERP++ and PhyloP. For these reasons, this variant has been classified as Benign.

Department of Pathology and Laboratory Medicine, Sinai Health System
Classification: Benign for Colorectal cancer, susceptibility to, 1. Last evaluated: 2022-01-10. Review status: criteria provided, single submitter. Criteria: ACMG Guidelines, 2015. Collection method: clinical testing. Allele origin: germline. Affected: yes.

GeneDx
Classification: Benign. Last evaluated: 2018-06-22. Review status: criteria provided, single submitter. Criteria: GeneDx Variant Classification Process June 2021. Collection method: clinical testing. Allele origin: germline. Affected: yes.

Ambry Genetics
Classification: Benign. Last evaluated: 2016-08-18. Review status: criteria provided, single submitter. Criteria: Ambry Variant Classification Scheme 2023. Collection method: clinical testing. Allele origin: germline.

Breakthrough Genomics
Classification: Benign. Review status: criteria provided, single submitter. Criteria: ACMG Guidelines, 2015. Collection method: not provided. Allele origin: germline. Inheritance: Unknown mechanism. Affected: yes.

PreventionGenetics, part of Exact Sciences
Classification: Benign for GALNT12-related condition. Last evaluated: 2019-07-18. Review status: no assertion criteria provided. Collection method: clinical testing. Allele origin: germline. Not counted in ClinVar's aggregate classification.
Comment: This variant is classified as benign based on ACMG/AMP sequence variant interpretation guidelines (Richards et al. 2015 PMID: 25741868, with internal and published modifications).